The following is an entry in ClinVar:

NM_006231.4(POLE):c.1028T>C (p.Leu343Pro)

Gene: POLE (DNA polymerase epsilon, catalytic subunit; minus strand). Cytogenetic location: 12q24.33.
Variant type: single nucleotide variant.
Coding change: c.1028T>C on transcript NM_006231.4 (MANE Select); coding-DNA position 1028, T replaced by C.
Protein change: p.Leu343Pro; replaces leucine 343 with proline.
Molecular consequence: missense variant.
Genome position (GRCh38, 1-based): chr12:132,675,813, A>G on the plus strand (T>C on the coding strand, the complement: POLE is on the minus strand). VCF-style: chr12-132675813-A-G. GRCh37 (hg19) VCF-style: chr12-133252399-A-G.
Other names: short protein forms L343P.
Identifiers: ClinVar variation 1770189 (VCV001770189.5), dbSNP rs2136012016, ClinGen allele CA387361857.

ClinVar aggregate classification (germline): Uncertain significance. Review status: criteria provided, multiple submitters, no conflicts (2 of 4 stars). 2 submissions from 2 submitters: Uncertain significance (2). Last evaluated 2023-04-07.

Conditions:
Hereditary cancer-predisposing syndrome. Also called: Hereditary Cancer Syndrome; Hereditary neoplastic syndrome; Neoplastic Syndromes, Hereditary; Tumor predisposition. Identifiers: Orphanet 140162, MedGen C0027672, MeSH D009386, MONDO:0015356.

Submissions (2):

Labcorp Genetics (formerly Invitae), Labcorp
Classification: Uncertain significance. Last evaluated: 2023-04-07. Review status: criteria provided, single submitter. Criteria: Invitae Variant Classification Sherloc (09022015). Collection method: clinical testing. Allele origin: germline.
Comment: This sequence change replaces leucine, which is neutral and non-polar, with proline, which is neutral and non-polar, at codon 343 of the POLE protein (p.Leu343Pro). In summary, the available evidence is currently insufficient to determine the role of this variant in disease. Therefore, it has been classified as a Variant of Uncertain Significance. Advanced modeling of protein sequence and biophysical properties (such as structural, functional, and spatial information, amino acid conservation, physicochemical variation, residue mobility, and thermodynamic stability) performed at Invitae indicates that this missense variant is expected to disrupt POLE protein function. ClinVar contains an entry for this variant (Variation ID: 1770189). This variant has not been reported in the literature in individuals affected with POLE-related conditions. This variant is not present in population databases (gnomAD no frequency).

Ambry Genetics
Classification: Uncertain significance for Hereditary cancer-predisposing syndrome. Last evaluated: 2021-12-18. Review status: criteria provided, single submitter. Criteria: Ambry Variant Classification Scheme 2023. Collection method: clinical testing. Allele origin: germline.
Comment: The p.L343P variant (also known as c.1028T>C), located in coding exon 11 of the POLE gene, results from a T to C substitution at nucleotide position 1028. The leucine at codon 343 is replaced by proline, an amino acid with similar properties. This amino acid position is conserved. In addition, this alteration is predicted to be deleterious by in silico analysis. Since supporting evidence is limited at this time, the clinical significance of this alteration remains unclear.